The following is an entry in ClinVar:

NM_002890.3(RASA1):c.1873G>C (p.Val625Leu)

Genes: CCNH (cyclin H; minus strand), RASA1 (RAS p21 protein activator 1; plus strand). Cytogenetic location: 5q14.3.
Variant type: single nucleotide variant.
Coding change: c.1873G>C on transcript NM_002890.3 (MANE Select); coding-DNA position 1873, G replaced by C.
Protein change: p.Val625Leu; replaces valine 625 with leucine.
Molecular consequence: missense variant. On other transcripts: intron variant (1).
Genome position (GRCh38, 1-based): chr5:87,374,259, G>C. VCF-style: chr5-87374259-G-C. GRCh37 (hg19) VCF-style: chr5-86670076-G-C.
Other names: c.933+20785C>G (NM_001364075.2); c.1342G>C, p.Val448Leu (NM_022650.3); short protein forms V625L, V448L.
Identifiers: ClinVar variation 2063808 (VCV002063808.3), dbSNP rs148984998, ClinGen allele CA121808432.

ClinVar aggregate classification (germline): Uncertain significance (1 of 4 stars; one submission).

Conditions:
Capillary malformation-arteriovenous malformation syndrome. Also called: Capillary malformation-arteriovenous malformation. Identifiers: Orphanet 137667, MedGen C1842180, MONDO:0012016.

Allele frequency attached by ClinVar (database versions not stated): TOPMed 0.00001; ESP Exome Variant Server 0.00008; gnomAD 0.00001.
gnomAD v4.1: 11 of 1,602,326 alleles (0.00069%); highest among the groups gnomAD compares: Non-Finnish European, 0.00094%; no homozygotes.

Submission:

Labcorp Genetics (formerly Invitae), Labcorp
Classification: Uncertain significance for Capillary malformation-arteriovenous malformation syndrome. Last evaluated: 2024-03-16. Review status: criteria provided, single submitter. Criteria: Invitae Variant Classification Sherloc (09022015). Collection method: clinical testing. Allele origin: germline.
Comment: This sequence change replaces valine, which is neutral and non-polar, with leucine, which is neutral and non-polar, at codon 625 of the RASA1 protein (p.Val625Leu). This variant is present in population databases (rs148984998, gnomAD 0.002%). This variant has not been reported in the literature in individuals affected with RASA1-related conditions. ClinVar contains an entry for this variant (Variation ID: 2063808). An algorithm developed to predict the effect of missense changes on protein structure and function (PolyPhen-2) suggests that this variant is likely to be disruptive. In summary, the available evidence is currently insufficient to determine the role of this variant in disease. Therefore, it has been classified as a Variant of Uncertain Significance.